The following is an entry in ClinVar:

NM_001130987.2(DYSF):c.3575-1G>C

Gene: DYSF (dysferlin; plus strand). Cytogenetic location: 2p13.2.
Variant type: single nucleotide variant.
Coding change: c.3575-1G>C on transcript NM_001130987.2 (MANE Select); the canonical splice acceptor site of the intron before coding-DNA position 3575, G replaced by C.
Molecular consequence: splice acceptor variant.
Genome position (GRCh38, 1-based): chr2:71,598,563, G>C. VCF-style: chr2-71598563-G-C. GRCh37 (hg19) VCF-style: chr2-71825693-G-C.
Other names: c.3614-1G>C (NM_001130979.2); c.3572-1G>C (NM_001130981.2, NM_001130980.2); c.3521-1G>C (NM_001130978.2, NM_003494.4); c.3479-1G>C (NM_001130977.2, NM_001130976.2); c.3617-1G>C (NM_001130982.2); c.3575-1G>C (NM_001130985.2); c.3524-1G>C (NM_001130983.2, NM_001130455.2); c.3482-1G>C (NM_001130984.2, NM_001130986.2).
Identifiers: ClinVar variation 2415920 (VCV002415920.8), dbSNP rs2093462674, ClinGen allele CA347223212.

ClinVar aggregate classification (germline): Pathogenic/Likely pathogenic. Review status: criteria provided, multiple submitters, no conflicts (2 of 4 stars). 2 submissions from 2 submitters: Pathogenic (1); Likely pathogenic (1). Last evaluated 2024-03-07.

Conditions:
Neuromuscular disease caused by qualitative or quantitative defects of dysferlin. Also called: Qualitative or quantitative defects of dysferlin; Dysferlinopathy. Identifiers: Orphanet 207073, MedGen C2931687, MONDO:0016145.
Miyoshi muscular dystrophy 1 (MMD1). Identifiers: Orphanet 45448, MedGen C4551973, MONDO:0024545, OMIM 254130.

Submissions (2):

Baylor Genetics
Classification: Likely pathogenic for Miyoshi muscular dystrophy 1. Last evaluated: 2024-03-07. Review status: criteria provided, single submitter. Criteria: ACMG Guidelines, 2015. Collection method: clinical testing. Allele origin: unknown.

Labcorp Genetics (formerly Invitae), Labcorp
Classification: Pathogenic for Neuromuscular disease caused by qualitative or quantitative defects of dysferlin. Last evaluated: 2022-05-07. Review status: criteria provided, single submitter. Criteria: Invitae Variant Classification Sherloc (09022015). Collection method: clinical testing. Allele origin: germline.
Comment: Disruption of this splice site has been observed in individual(s) with DYSF-related conditions (PMID: 27647186). This sequence change affects an acceptor splice site in intron 32 of the DYSF gene. It is expected to disrupt RNA splicing. Variants that disrupt the donor or acceptor splice site typically lead to a loss of protein function (PMID: 16199547), and loss-of-function variants in DYSF are known to be pathogenic (PMID: 17698709, 20301480). This variant is not present in population databases (gnomAD no frequency). Algorithms developed to predict the effect of sequence changes on RNA splicing suggest that this variant may disrupt the consensus splice site. For these reasons, this variant has been classified as Pathogenic.

Literature cited by the submitters: PubMed 27647186 (cited by Labcorp Genetics (formerly Invitae), Labcorp); PubMed 16199547 (cited by Labcorp Genetics (formerly Invitae), Labcorp); PubMed 17698709 (cited by Labcorp Genetics (formerly Invitae), Labcorp); PubMed 20301480 (cited by Labcorp Genetics (formerly Invitae), Labcorp).